The following is an entry in ClinVar:

NM_058216.3(RAD51C):c.499G>T (p.Asp167Tyr)

Gene: RAD51C (RAD51 paralog C; plus strand). Cytogenetic location: 17q22.
Variant type: single nucleotide variant.
Coding change: c.499G>T on transcript NM_058216.3 (MANE Select); coding-DNA position 499, G replaced by T.
Protein change: p.Asp167Tyr; replaces aspartic acid 167 with tyrosine.
Molecular consequence: missense variant.
Genome position (GRCh38, 1-based): chr17:58,696,787, G>T. VCF-style: chr17-58696787-G-T. GRCh37 (hg19) VCF-style: chr17-56774148-G-T.
Other names: short protein forms D167Y.
Identifiers: ClinVar variation 2823749 (VCV002823749.4), dbSNP rs1555594778, ClinGen allele CA400344911.

ClinVar aggregate classification (germline): Conflicting classifications of pathogenicity. Review status: criteria provided, conflicting classifications (1 of 4 stars). 2 submissions from 2 submitters: Uncertain significance (1); Likely benign (1). Last evaluated 2025-11-24.

Conditions:
Hereditary cancer-predisposing syndrome. Also called: Neoplastic Syndromes, Hereditary; Hereditary Cancer Syndrome; Hereditary neoplastic syndrome; Tumor predisposition. Identifiers: Orphanet 140162, MedGen C0027672, MeSH D009386, MONDO:0015356.
Fanconi anemia complementation group O. Also called: RAD51C-Related Fanconi Anemia. Identifiers: Orphanet 84, MedGen C3150653, MONDO:0013248, OMIM 613390.

Submissions (2):

Ambry Genetics
Classification: Uncertain significance for Hereditary cancer-predisposing syndrome. Last evaluated: 2025-11-24. Review status: criteria provided, single submitter. Criteria: Ambry Variant Classification Scheme 2023. Collection method: clinical testing. Allele origin: germline.
Comment: The p.D167Y variant (also known as c.499G>T), located in coding exon 3 of the RAD51C gene, results from a G to T substitution at nucleotide position 499. The aspartic acid at codon 167 is replaced by tyrosine, an amino acid with highly dissimilar properties. This amino acid position is conserved. In addition, this alteration is predicted to be tolerated by in silico analysis. Based on the available evidence, the clinical significance of this variant remains unclear.

Labcorp Genetics (formerly Invitae), Labcorp
Classification: Likely benign for Fanconi anemia complementation group O. Last evaluated: 2025-06-07. Review status: criteria provided, single submitter. Criteria: Invitae Variant Classification Sherloc (09022015). Collection method: clinical testing. Allele origin: germline.